The following is an entry in ClinVar:

ClinVar aggregate classification (germline): Uncertain significance (1 of 4 stars; one submission).

Conditions:
Inborn genetic diseases. Identifiers: MedGen C0950123, MeSH D030342.

Allele frequency attached by ClinVar (database versions not stated): gnomAD exomes below 0.00001.
gnomAD v4.1: 1 of 1,611,534 alleles (0.000062%); highest among the groups gnomAD compares: African/African-American, 0.0013%; no homozygotes.

Submission:

Ambry Genetics
Classification: Uncertain significance for Inborn genetic diseases. Last evaluated: 2018-04-02. Review status: criteria provided, single submitter. Criteria: Ambry Variant Classification Scheme 2023. Collection method: clinical testing. Allele origin: germline.
Comment: The p.L34V variant (also known as c.100C>G), located in coding exon 1 of the GRIN2A gene, results from a C to G substitution at nucleotide position 100. The leucine at codon 34 is replaced by valine, an amino acid with highly similar properties. This amino acid position is well conserved in available vertebrate species; however, valine is the reference amino acid in other vertebrate species. In addition, this alteration is predicted to be tolerated by in silico analysis. Since supporting evidence is limited at this time, the clinical significance of this alteration remains unclear.

NM_001134407.3(GRIN2A):c.100C>G (p.Leu34Val)

Gene: GRIN2A (glutamate ionotropic receptor NMDA type subunit 2A; minus strand). Cytogenetic location: 16p13.2.
Variant type: single nucleotide variant.
Coding change: c.100C>G on transcript NM_001134407.3 (MANE Select); coding-DNA position 100, C replaced by G.
Protein change: p.Leu34Val; replaces leucine 34 with valine.
Molecular consequence: missense variant.
Genome position (GRCh38, 1-based): chr16:10,180,312, G>C on the plus strand (C>G on the coding strand, the complement: GRIN2A is on the minus strand). VCF-style: chr16-10180312-G-C. GRCh37 (hg19) VCF-style: chr16-10274169-G-C.
Other names: c.100C>G, p.Leu34Val (NM_000833.5, NM_001134408.2); short protein forms L34V.
Identifiers: ClinVar variation 1796109 (VCV001796109.2), dbSNP rs2544032542, ClinGen allele CA394715734.
Genomic context (GRCh38, chr16:10,180,312, plus strand): 5'-GTGTTCGAAGTTCGCGCTCTGTCACGTCGTGGCTGTGACCCAGCATCACCGCAATATTTA[G>C]CGCGGGGGGACCCTTCTCCGCCGCCGCGCTCGGCGCCGGACCGCGCCAGACCAGAAGGGC-3'
Protein context (NP_001127879.1, residues 24-44): SAAAEKGPPA[Leu34Val]NIAVMLGHSH